The following is an entry in ClinVar:

NM_000444.6(PHEX):c.2244_2245del (p.Trp749fs)

Genes: PHEX (phosphate regulating endopeptidase homolog X-linked; plus strand), PTCHD1-AS (PTCHD1 antisense RNA (head to head); minus strand). Cytogenetic location: Xp22.11.
Variant type: Microsatellite.
Coding change: c.2244_2245del on transcript NM_000444.6 (MANE Select); coding-DNA positions 2244 to 2245, 2 bases deleted (CT; older notation c.2244_2245delCT).
Protein change: p.Trp749fs; shifts the reading frame from tryptophan 749.
Molecular consequence: frameshift variant. On other transcripts: 3 prime UTR variant (1).
Genome position (GRCh38, 1-based): chrX:22,247,947-22,247,948, CT deleted; deleting any 2 consecutive bases within chrX:22,247,945-22,247,948 gives the same sequence; the c. name uses the placement nearest the transcript's 3' end. VCF-style (leftmost placement, unchanged base first): chrX-22247944-ACT-A. GRCh37 (hg19) VCF-style: chrX-22266061-ACT-A.
Other names: c.*77CT[1] (NM_001282754.2); short protein forms W749fs.
Identifiers: ClinVar variation 372466 (VCV000372466.2), dbSNP rs1057517800, ClinGen allele CA16043313.

ClinVar aggregate classification (germline): Likely pathogenic (1 of 4 stars; one submission).

Submission:

GeneDx
Classification: Likely pathogenic. Last evaluated: 2016-12-12. Review status: criteria provided, single submitter. Criteria: GeneDx Variant Classification (06012015). Collection method: clinical testing. Allele origin: germline. Affected: yes.
Comment: The c.2244_2245delCT pathogenic variant in the PHEX gene causes a frameshift starting with last residue of the protein, codon Tryptophan 749, and changes this amino acid to a Valine residue while adding an additional 42 residues before creating a Stop codon at position 44 of the new reading frame, denoted p.Trp749ValfsX44. This variant has been observed at GeneDx in other patients diagnosed with hypophosphatemic rickets. The c.2244_2245delCT variant was not observed in approximately 6,500 individuals of European and African American ancestry in the NHLBI Exome Sequencing Project, indicating it is not a common benign variant in these populations. Therefore, this variant is likely pathogenic; however, the possibility that it is benign cannot be excluded.